The following is an entry in ClinVar:

ClinVar aggregate classification (germline): Uncertain significance (1 of 4 stars; one submission).

Allele frequency attached by ClinVar (database versions not stated): gnomAD exomes below 0.00001.
gnomAD v4.1: 1 of 1,612,006 alleles (0.000062%); highest among the groups gnomAD compares: Admixed American, 0.0017%; no homozygotes.

Submission:

Labcorp Genetics (formerly Invitae), Labcorp
Classification: Uncertain significance. Last evaluated: 2021-11-19. Review status: criteria provided, single submitter. Criteria: Invitae Variant Classification Sherloc (09022015). Collection method: clinical testing. Allele origin: germline.
Comment: In summary, the available evidence is currently insufficient to determine the role of this variant in disease. Therefore, it has been classified as a Variant of Uncertain Significance. Algorithms developed to predict the effect of missense changes on protein structure and function (SIFT, PolyPhen-2, Align-GVGD) all suggest that this variant is likely to be tolerated. This variant has not been reported in the literature in individuals affected with PRPF8-related conditions. This variant is not present in population databases (gnomAD no frequency). This sequence change replaces valine, which is neutral and non-polar, with isoleucine, which is neutral and non-polar, at codon 365 of the PRPF8 protein (p.Val365Ile).

NM_006445.4(PRPF8):c.1093G>A (p.Val365Ile)

Gene: PRPF8 (pre-mRNA processing factor 8; minus strand). Cytogenetic location: 17p13.3.
Variant type: single nucleotide variant.
Coding change: c.1093G>A on transcript NM_006445.4 (MANE Select); coding-DNA position 1093, G replaced by A.
Protein change: p.Val365Ile; replaces valine 365 with isoleucine.
Molecular consequence: missense variant.
Genome position (GRCh38, 1-based): chr17:1,680,731, C>T on the plus strand (G>A on the coding strand, the complement: PRPF8 is on the minus strand). VCF-style: chr17-1680731-C-T. GRCh37 (hg19) VCF-style: chr17-1584025-C-T.
Other names: short protein forms V365I.
Identifiers: ClinVar variation 1477336 (VCV001477336.6), dbSNP rs1912871372, ClinGen allele CA397565742.